The following is an entry in ClinVar:

NM_000277.3(PAH):c.84C>T (p.Asn28=)

Gene: PAH (phenylalanine hydroxylase; minus strand). Cytogenetic location: 12q23.2.
Variant type: single nucleotide variant.
Coding change: c.84C>T on transcript NM_000277.3 (MANE Select); coding-DNA position 84, C replaced by T.
Protein change: p.Asn28=; no amino-acid change (asparagine 28 retained).
Molecular consequence: synonymous variant.
Genome position (GRCh38, 1-based): chr12:102,912,875, G>A on the plus strand (C>T on the coding strand, the complement: PAH is on the minus strand). VCF-style: chr12-102912875-G-A. GRCh37 (hg19) VCF-style: chr12-103306653-G-A.
Other names: NM_001354304.2:c.84C>T; c.84C>T, p.Asn28= (NM_001354304.2).
Identifiers: ClinVar variation 4540585 (VCV004540585.1).
Genomic context (GRCh38, chr12:102,912,875, plus strand): 5'-CAATGCACCAACTTCTTCTTTGAGTGAGAAGATCAGTGATATGGCACCATTTTGATTGCA[G>A]TTGTCTTCAATATAGCTTGTTTCCTACAGGATAAGATGCATTTGTTTAAAACATTTTCCA-3'
Protein context (NP_000268.1, residues 18-38): FGQETSYIED[Asn28=]CNQNGAISLI

ClinVar aggregate classification (germline): Uncertain significance (3 of 4 stars; one submission).

Conditions:
Phenylketonuria (PKU). Also called: FOLLING DISEASE; OLIGOPHRENIA PHENYLPYRUVICA; Phenylketonurias; Phenylketonuria (PKU). Identifiers: Orphanet 716, MedGen C0031485, MONDO:0009861, OMIM 261600. Disease mechanism: loss of function.

Submission:

ClinGen PAH Variant Curation Expert Panel
Classification: Uncertain significance for Phenylketonuria. Last evaluated: 2025-07-18. Review status: reviewed by expert panel. Criteria: ClinGen PAH ACMG Specifications v1. Collection method: curation. Allele origin: germline. Inheritance: Autosomal recessive inheritance.
Comment: The NM_000277.3(PAH):c.84C>T variant is a synonymous (silent) variant (p.N28=) that is not predicted by SpliceAI to impact splicing (BP7). This variant has been detected in at least 1 individual suspected with Phenylketonuria. This individual was compound heterozygous for the variant and a pathogenic variant, c.473G>A (p.R158Q) (PMID: 17502162, PM3_Supporting). This variant is absent from gnomAD v4.1.0 (PM2_Supporting). Due to conflicting evidence, this variant is classified as a variant of uncertain significance for autosomal recessive PAH deficiency based on the ACMG/AMP criteria applied, as specified by the ClinGen PAH VCEP: BP7, PM2_supporting, PM3_supporting (Version 2.0, 7/16/2024).